The following is an entry in ClinVar:

NM_006017.3(PROM1):c.2118del (p.Asn707fs)

Gene: PROM1 (prominin 1; minus strand). Cytogenetic location: 4p15.32.
Variant type: Deletion.
Coding change: c.2118del on transcript NM_006017.3 (MANE Select); coding-DNA position 2118, one base deleted (G; older notation c.2118delG).
Protein change: p.Asn707fs; shifts the reading frame from asparagine 707.
Molecular consequence: frameshift variant.
Genome position (GRCh38, 1-based): chr4:15,987,675, C deleted on the plus strand (G on the coding strand, the reverse complement: PROM1 is on the minus strand); the first of 3 consecutive C bases (chr4:15,987,675-15,987,677); deleting any one gives the same sequence. VCF-style (leftmost placement, unchanged base first): chr4-15987674-TC-T. GRCh37 (hg19) VCF-style: chr4-15989297-TC-T.
Other names: NM_006017.3:c.2118del; c.2091del, p.Asn698fs (NM_001145847.2, NM_001145848.2, NM_001145851.2 and 4 more transcripts); c.2118del, p.Asn707fs (NM_001145849.2, NM_001145850.2); short protein forms N698fs, N707fs.
Identifiers: ClinVar variation 2500900 (VCV002500900.1), dbSNP rs2475104632, ClinGen allele CA2573335043.
Genomic context (GRCh38, chr4:15,987,674, plus strand): 5'-TGGTATTTTATAACAAAACCCCATGACAGAAAACAAAGTAAACCCTTACCAACAATCCAT[TC>T]CCTGTGCGTTGAAGTATCTTGACGCTTTGGTATAGAGTGCTCTGGCAAGAAACAGATAAT-3'

ClinVar aggregate classification (germline): Likely pathogenic (1 of 4 stars; one submission).

Conditions:
Cone-rod dystrophy 12 (CORD12). Identifiers: Orphanet 1872, MedGen C2675210, MONDO:0012983, OMIM 612657.

Submission:

Broad Center for Mendelian Genomics, Broad Institute of MIT and Harvard
Classification: Likely pathogenic for Cone-rod dystrophy 12. Last evaluated: 2023-05-02. Review status: criteria provided, single submitter. Criteria: ACMG Guidelines, 2015. Collection method: curation. Allele origin: germline. Inheritance: Autosomal recessive inheritance.
Comment: The p.Asn707MetfsTer7 variant in PROM1 has not been previously reported in individuals with PROM1-associated retinopathy. This variant was absent from large population studies. This variant is predicted to cause a frameshift, which alters the protein‚Äôs amino acid sequence beginning at position 707 and leads to a premature termination codon 7 amino acids downstream. This alteration is then predicted to lead to a truncated or absent protein. Loss of function of the PROM1 gene is an established disease mechanism in autosomal recessive PROM1-associated retinal disease. In summary, although additional studies are required to fully establish its clinical significance, this variant is likely pathogenic for autosomal recessive neuronal PROM1-associated retinal disease. ACMG/AMP Criteria applied: PVS1, PM2_Supporting (Richards 2015).